The following is an entry in ClinVar:

ClinVar aggregate classification (germline): Uncertain significance (1 of 4 stars; one submission).

Allele frequency attached by ClinVar (database versions not stated): gnomAD exomes 0.00001.
gnomAD v4.1: 8 of 1,613,804 alleles (0.0005%); highest among the groups gnomAD compares: Non-Finnish European, 0.00068%; no homozygotes.

Submission:

Labcorp Genetics (formerly Invitae), Labcorp
Classification: Uncertain significance. Last evaluated: 2022-07-25. Review status: criteria provided, single submitter. Criteria: Invitae Variant Classification Sherloc (09022015). Collection method: clinical testing. Allele origin: germline.
Comment: This sequence change replaces alanine, which is neutral and non-polar, with serine, which is neutral and polar, at codon 246 of the GRM6 protein (p.Ala246Ser). In summary, the available evidence is currently insufficient to determine the role of this variant in disease. Therefore, it has been classified as a Variant of Uncertain Significance. Algorithms developed to predict the effect of sequence changes on RNA splicing suggest that this variant may create or strengthen a splice site. Algorithms developed to predict the effect of missense changes on protein structure and function are either unavailable or do not agree on the potential impact of this missense change (SIFT: "Tolerated"; PolyPhen-2: "Probably Damaging"; Align-GVGD: "Class C0"). This variant has not been reported in the literature in individuals affected with GRM6-related conditions. This variant is not present in population databases (gnomAD no frequency).

NM_000843.4(GRM6):c.736G>T (p.Ala246Ser)

Gene: GRM6 (glutamate metabotropic receptor 6; minus strand). Cytogenetic location: 5q35.3.
Variant type: single nucleotide variant.
Coding change: c.736G>T on transcript NM_000843.4 (MANE Select); coding-DNA position 736, G replaced by T.
Protein change: p.Ala246Ser; replaces alanine 246 with serine.
Molecular consequence: missense variant.
Genome position (GRCh38, 1-based): chr5:178,991,545, C>A on the plus strand (G>T on the coding strand, the complement: GRM6 is on the minus strand). VCF-style: chr5-178991545-C-A. GRCh37 (hg19) VCF-style: chr5-178418546-C-A.
Other names: short protein forms A246S.
Identifiers: ClinVar variation 1956630 (VCV001956630.5), dbSNP rs899164552, ClinGen allele CA133029129.